The following is an entry in ClinVar:

ClinVar aggregate classification (germline): Uncertain significance (1 of 4 stars; one submission).

Submission:

GeneDx
Classification: Uncertain significance. Last evaluated: 2023-12-20. Review status: criteria provided, single submitter. Criteria: GeneDx Variant Classification Process June 2021. Collection method: clinical testing. Allele origin: germline.
Comment: Not observed at significant frequency in large population cohorts (gnomAD); In silico analysis supports that this missense variant has a deleterious effect on protein structure/function; Has not been previously published as pathogenic or benign to our knowledge; Variants in candidate genes are classified as variants of uncertain significance in accordance with ACMG guidelines (PMID: 25741868)

NM_006196.4(PCBP1):c.380C>A (p.Thr127Lys)

Genes: PCBP1 (poly(rC) binding protein 1; plus strand), PCBP1-AS1 (PCBP1 antisense RNA 1; minus strand). Cytogenetic location: 2p13.3.
Variant type: single nucleotide variant.
Coding change: c.380C>A on transcript NM_006196.4 (MANE Select); coding-DNA position 380, C replaced by A.
Protein change: p.Thr127Lys; replaces threonine 127 with lysine.
Molecular consequence: missense variant. On other transcripts: non-coding transcript variant (5).
Genome position (GRCh38, 1-based): chr2:70,088,123, C>A. VCF-style: chr2-70088123-C-A. GRCh37 (hg19) VCF-style: chr2-70315255-C-A.
Other names: short protein forms T127K.
Identifiers: ClinVar variation 5016813 (VCV005016813.1).